The following is an entry in ClinVar:

NM_020831.6(MRTFA):c.2009C>T (p.Pro670Leu)

Gene: MRTFA (myocardin related transcription factor A; minus strand). Cytogenetic location: 22q13.1.
Variant type: single nucleotide variant.
Coding change: c.2009C>T on transcript NM_020831.6 (MANE Select); coding-DNA position 2009, C replaced by T.
Protein change: p.Pro670Leu; replaces proline 670 with leucine.
Molecular consequence: missense variant.
Genome position (GRCh38, 1-based): chr22:40,418,729, G>A on the plus strand (C>T on the coding strand, the complement: MRTFA is on the minus strand). VCF-style: chr22-40418729-G-A. GRCh37 (hg19) VCF-style: chr22-40814733-G-A.
Other names: c.1709C>T, p.Pro570Leu (NM_001282660.2); c.1859C>T, p.Pro620Leu (NM_001282661.3); c.2009C>T, p.Pro670Leu (NM_001282662.3); c.1814C>T, p.Pro605Leu (NM_001318139.2); short protein forms P605L, P570L, P620L, P670L.
Identifiers: ClinVar variation 3687959 (VCV003687959.2).

ClinVar aggregate classification (germline): Uncertain significance (1 of 4 stars; one submission).

gnomAD v4.1: 4 of 1,456,766 alleles (0.00027%); highest among the groups gnomAD compares: Non-Finnish European, 0.00036%; no homozygotes.

Submission:

Labcorp Genetics (formerly Invitae), Labcorp
Classification: Uncertain significance. Last evaluated: 2024-09-08. Review status: criteria provided, single submitter. Criteria: Invitae Variant Classification Sherloc (09022015). Collection method: clinical testing. Allele origin: germline.
Comment: This sequence change replaces proline, which is neutral and non-polar, with leucine, which is neutral and non-polar, at codon 570 of the MKL1 protein (p.Pro570Leu). This variant is not present in population databases (gnomAD no frequency). This variant has not been reported in the literature in individuals affected with MKL1-related conditions. An algorithm developed to predict the effect of missense changes on protein structure and function (PolyPhen-2) suggests that this variant is likely to be tolerated. In summary, the available evidence is currently insufficient to determine the role of this variant in disease. Therefore, it has been classified as a Variant of Uncertain Significance.